The following is an entry in ClinVar:

NM_016525.5(UBAP1):c.317A>G (p.Lys106Arg)

Gene: UBAP1 (ubiquitin associated protein 1; plus strand). Cytogenetic location: 9p13.3.
Variant type: single nucleotide variant.
Coding change: c.317A>G on transcript NM_016525.5 (MANE Select); coding-DNA position 317, A replaced by G.
Protein change: p.Lys106Arg; replaces lysine 106 with arginine.
Molecular consequence: missense variant. On other transcripts: non-coding transcript variant (1).
Genome position (GRCh38, 1-based): chr9:34,241,342, A>G. VCF-style: chr9-34241342-A-G. GRCh37 (hg19) VCF-style: chr9-34241340-A-G.
Other names: c.509A>G, p.Lys170Arg (NM_001171201.1); c.425A>G, p.Lys142Arg (NM_001171202.1); c.317A>G, p.Lys106Arg (NM_001171203.3, NM_001171204.3); short protein forms K106R, K142R, K170R.
Identifiers: ClinVar variation 4536706 (VCV004536706.1).
Genomic context (GRCh38, chr9:34,241,342, plus strand): 5'-CAGAAGCTAAAGTGAATTCTAAGAGTGGCCCAGAGGGCGATAGCAAAATGAGCTTCTCCA[A>G]GACTCACAGTACAGCCACAATGCCACCTCCTATTAACCCCATCCTCGCCAGCTTGCAGCA-3'
Protein context (NP_057609.2, residues 96-116): PEGDSKMSFS[Lys106Arg]THSTATMPPP

ClinVar aggregate classification (germline): Uncertain significance (1 of 4 stars; one submission).

gnomAD v4.1: 9 of 1,524,148 alleles (0.00059%); highest among the groups gnomAD compares: African/African-American, 0.0097%; no homozygotes.

Submission:

Women's Health and Genetics/Laboratory Corporation of America, LabCorp
Classification: Uncertain significance. Last evaluated: 2025-11-14. Review status: criteria provided, single submitter. Criteria: LabCorp Variant Classification Summary - May 2015. Collection method: clinical testing. Allele origin: germline.
Comment: Variant summary: UBAP1 c.509A>G (p.Lys170Arg) results in a conservative amino acid change in the encoded protein sequence. Algorithms developed to predict the effect of missense changes on protein structure and function all suggest that this variant is likely to be tolerated. The variant allele was found at a frequency of 1.1e-05 in 181130 control chromosomes. The available data on variant occurrences in the general population are insufficient to allow any conclusion about variant significance. To our knowledge, no occurrence of c.509A>G in individuals affected with UBAP1-related conditions and no experimental evidence demonstrating its impact on protein function have been reported. No submitters have cited clinical-significance assessments for this variant to ClinVar. Based on the evidence outlined above, the variant was classified as uncertain significance.